The following is an entry in ClinVar:

NM_000091.5(COL4A3):c.2092G>A (p.Gly698Arg)

Genes: MFF-DT (MFF divergent transcript; minus strand), COL4A3 (collagen type IV alpha 3 chain; plus strand). Cytogenetic location: 2q36.3.
Variant type: single nucleotide variant.
Coding change: c.2092G>A on transcript NM_000091.5 (MANE Select); coding-DNA position 2092, G replaced by A.
Protein change: p.Gly698Arg; replaces glycine 698 with arginine.
Molecular consequence: missense variant.
Genome position (GRCh38, 1-based): chr2:227,277,520, G>A. VCF-style: chr2-227277520-G-A. GRCh37 (hg19) VCF-style: chr2-228142236-G-A.
Other names: short protein forms G698R.
Identifiers: ClinVar variation 3236067 (VCV003236067.3), dbSNP rs756268290, ClinGen allele CA2146850.

ClinVar aggregate classification (germline): Uncertain significance. Review status: criteria provided, multiple submitters, no conflicts (2 of 4 stars). 3 submissions from 3 submitters: Uncertain significance (3). Last evaluated 2025-11-26.

Conditions:
Inborn genetic diseases. Identifiers: MedGen C0950123, MeSH D030342.
Autosomal dominant Alport syndrome (ATS3A). Also called: Alport syndrome dominant type; Renal failure and sensorineural hearing loss; ALPORT SYNDROME 3A, AUTOSOMAL DOMINANT. Identifiers: Orphanet 63, Orphanet 88918, MedGen C5882663, MONDO:0007086, OMIM 104200.

Allele frequency attached by ClinVar (database versions not stated): gnomAD exomes 0.00001; ExAC 0.00002; gnomAD 0.00002; TOPMed 0.00003.
gnomAD v4.1: 15 of 1,612,206 alleles (0.00093%); highest among the groups gnomAD compares: African/African-American, 0.019%; no homozygotes.

Submissions (3):

Ambry Genetics
Classification: Uncertain significance for Inborn genetic diseases. Last evaluated: 2025-11-26. Review status: criteria provided, single submitter. Criteria: Ambry Variant Classification Scheme 2023. Collection method: clinical testing. Allele origin: germline.

Labcorp Genetics (formerly Invitae), Labcorp
Classification: Uncertain significance. Last evaluated: 2025-07-13. Review status: criteria provided, single submitter. Criteria: Invitae Variant Classification Sherloc (09022015). Collection method: clinical testing. Allele origin: germline.
Comment: This sequence change replaces glycine, which is neutral and non-polar, with arginine, which is basic and polar, at codon 698 of the COL4A3 protein (p.Gly698Arg). This variant is present in population databases (rs756268290, gnomAD 0.02%). This variant has not been reported in the literature in individuals affected with COL4A3-related conditions. ClinVar contains an entry for this variant (Variation ID: 3236067). Invitae Evidence Modeling of protein sequence and biophysical properties (such as structural, functional, and spatial information, amino acid conservation, physicochemical variation, residue mobility, and thermodynamic stability) has been performed for this missense variant. However, the output from this modeling did not meet the statistical confidence thresholds required to predict the impact of this variant on COL4A3 protein function. In summary, the available evidence is currently insufficient to determine the role of this variant in disease. Therefore, it has been classified as a Variant of Uncertain Significance.

MVZ Medizinische Genetik Mainz
Classification: Uncertain significance for Autosomal dominant Alport syndrome. Last evaluated: 2023-10-26. Review status: criteria provided, single submitter. Criteria: UK Practice Guidelines For Variant Classification V4 01 2020. Collection method: clinical testing. Allele origin: germline. Inheritance: Autosomal dominant inheritance. Affected: yes. Observed: 1 variant allele.
Comment: ACMG Criteria: PM1_STR,PM2_SUP